The following is an entry in ClinVar:

ClinVar aggregate classification (germline): Conflicting classifications of pathogenicity. Review status: criteria provided, conflicting classifications (1 of 4 stars). 5 submissions from 5 submitters: Uncertain significance (3); Likely benign (1). 1 of the submissions does not count toward it. Last evaluated 2025-09-01.

Conditions:
KIF1B-related disorder. Also called: KIF1B-related condition.

Allele frequency attached by ClinVar (database versions not stated): 1000 Genomes Project 30x 0.00016; ESP Exome Variant Server 0.00023; gnomAD 0.00027 and 0.00028; gnomAD exomes 0.00027; ExAC 0.00033.
gnomAD v4.1: 662 of 1,614,192 alleles (0.041%); highest among the groups gnomAD compares: Non-Finnish European, 0.053%; 1 homozygote.

Submissions (5):

CeGaT Center for Human Genetics Tuebingen
Classification: Uncertain significance. Last evaluated: 2025-09-01. Review status: criteria provided, single submitter. Criteria: CeGaT Center For Human Genetics Tuebingen Variant Classification Criteria Version 2. Collection method: clinical testing. Allele origin: germline. Affected: yes. Observed: 2 variant alleles.
Comment: KIF1B: PP2, PP3

Blueprint Genetics
Classification: Likely benign. Last evaluated: 2024-10-03. Review status: criteria provided, single submitter. Criteria: ACMG Guidelines, 2015. Collection method: clinical testing. Allele origin: germline.

ARUP Laboratories, Molecular Genetics and Genomics, ARUP Laboratories
Classification: Uncertain significance. Last evaluated: 2023-06-15. Review status: criteria provided, single submitter. Criteria: ARUP Molecular Germline Variant Investigation Process 2024. Collection method: clinical testing. Allele origin: germline.
Comment: The KIF1B c.2374G>A; p.Val792Ile variant (rs374263753), to our knowledge, is not reported in the medical literature but is reported in ClinVar (Variation ID: 1319619). This variant is observed in the general population with an overall allele frequency of 0.03% (76/282160 alleles) in the Genome Aggregation Database. Computational analyses are uncertain whether this variant is neutral or deleterious (REVEL: 0.343). Due to limited information, the clinical significance of this variant is uncertain at this time.

Institute for Clinical Genetics, University Hospital TU Dresden, University Hospital TU Dresden
Classification: Uncertain significance. Last evaluated: 2021-11-03. Review status: criteria provided, single submitter. Criteria: ACMG Guidelines, 2015. Collection method: clinical testing. Allele origin: germline.

PreventionGenetics, part of Exact Sciences
Classification: Likely benign for KIF1B-related condition. Last evaluated: 2022-10-18. Review status: no assertion criteria provided. Collection method: clinical testing. Allele origin: germline. Not counted in ClinVar's aggregate classification.
Comment: This variant is classified as likely benign based on ACMG/AMP sequence variant interpretation guidelines (Richards et al. 2015 PMID: 25741868, with internal and published modifications).

NM_001365951.3(KIF1B):c.2115+6313G>A

Gene: KIF1B (kinesin family member 1B; plus strand). Cytogenetic location: 1p36.22.
Variant type: single nucleotide variant.
Coding change: c.2115+6313G>A on transcript NM_001365951.3 (MANE Select); 6313 bases into the intron after coding-DNA position 2115, G replaced by A.
Molecular consequence: intron variant. On other transcripts: missense variant (2).
Genome position (GRCh38, 1-based): chr1:10,303,559, G>A. VCF-style: chr1-10303559-G-A. GRCh37 (hg19) VCF-style: chr1-10363617-G-A.
Other names: c.2374G>A, p.Val792Ile (NM_001365953.1, NM_183416.4); c.1977+6313G>A (NM_015074.3); c.2115+6313G>A (NM_001365952.1); short protein forms V792I.
Identifiers: ClinVar variation 1319619 (VCV001319619.29), dbSNP rs374263753, ClinGen allele CA581238.